The following is an entry in ClinVar:

NM_004655.4(AXIN2):c.1027G>A (p.Ala343Thr)

Gene: AXIN2 (axin 2; minus strand). Cytogenetic location: 17q24.1.
Variant type: single nucleotide variant.
Coding change: c.1027G>A on transcript NM_004655.4 (MANE Select); coding-DNA position 1027, G replaced by A.
Protein change: p.Ala343Thr; replaces alanine 343 with threonine.
Molecular consequence: missense variant.
Genome position (GRCh38, 1-based): chr17:65,541,487, C>T on the plus strand (G>A on the coding strand, the complement: AXIN2 is on the minus strand). VCF-style: chr17-65541487-C-T. GRCh37 (hg19) VCF-style: chr17-63537605-C-T.
Other names: c.1027G>A, p.Ala343Thr (NM_001363813.1); short protein forms A343T.
Identifiers: ClinVar variation 2973252 (VCV002973252.5), dbSNP rs746540542, ClinGen allele CA8718897.

ClinVar aggregate classification (germline): Uncertain significance. Review status: criteria provided, multiple submitters, no conflicts (2 of 4 stars). 3 submissions from 3 submitters: Uncertain significance (3). Last evaluated 2025-09-28.

Conditions:
Oligodontia-cancer predisposition syndrome. Also called: TOOTH AGENESIS-COLORECTAL CANCER SYNDROME. Identifiers: Orphanet 300576, MedGen C1837750, MONDO:0012075, OMIM 608615. Disease mechanism: loss of function.
Hereditary cancer-predisposing syndrome. Also called: Neoplastic Syndromes, Hereditary; Hereditary neoplastic syndrome; Hereditary Cancer Syndrome; Tumor predisposition. Identifiers: Orphanet 140162, MedGen C0027672, MeSH D009386, MONDO:0015356.
Colorectal cancer. Also called: Malignant Colorectal Neoplasm; Colorectal cancer, somatic. Identifiers: MedGen C0346629, MONDO:0005575, OMIM 114500.

Allele frequency attached by ClinVar (database versions not stated): ExAC 0.00001.

Submissions (3):

Labcorp Genetics (formerly Invitae), Labcorp
Classification: Uncertain significance for Oligodontia-cancer predisposition syndrome. Last evaluated: 2025-09-28. Review status: criteria provided, single submitter. Criteria: Invitae Variant Classification Sherloc (09022015). Collection method: clinical testing. Allele origin: germline.
Comment: This sequence change replaces alanine, which is neutral and non-polar, with threonine, which is neutral and polar, at codon 343 of the AXIN2 protein (p.Ala343Thr). This variant is present in population databases (rs746540542, gnomAD 0.006%). This variant has not been reported in the literature in individuals affected with AXIN2-related conditions. ClinVar contains an entry for this variant (Variation ID: 2973252). Invitae Evidence Modeling of protein sequence and biophysical properties (such as structural, functional, and spatial information, amino acid conservation, physicochemical variation, residue mobility, and thermodynamic stability) indicates that this missense variant is not expected to disrupt AXIN2 protein function with a negative predictive value of 80%. In summary, the available evidence is currently insufficient to determine the role of this variant in disease. Therefore, it has been classified as a Variant of Uncertain Significance.

Ambry Genetics
Classification: Uncertain significance for Hereditary cancer-predisposing syndrome. Last evaluated: 2025-06-29. Review status: criteria provided, single submitter. Criteria: Ambry Variant Classification Scheme 2023. Collection method: clinical testing. Allele origin: germline.
Comment: The p.A343T variant (also known as c.1027G>A), located in coding exon 3 of the AXIN2 gene, results from a G to A substitution at nucleotide position 1027. The alanine at codon 343 is replaced by threonine, an amino acid with similar properties. This amino acid position is conserved. In addition, the in silico prediction for this alteration is inconclusive. Based on the available evidence, the clinical significance of this variant remains unclear.

Baylor Genetics
Classification: Uncertain significance for Colorectal cancer. Last evaluated: 2024-03-11. Review status: criteria provided, single submitter. Criteria: ACMG Guidelines, 2015. Collection method: clinical testing. Allele origin: unknown.